The following is an entry in ClinVar:

NM_000124.4(ERCC6):c.2705A>G (p.Asn902Ser)

Gene: ERCC6 (ERCC excision repair 6, chromatin remodeling factor; minus strand). Cytogenetic location: 10q11.23.
Variant type: single nucleotide variant.
Coding change: c.2705A>G on transcript NM_000124.4 (MANE Select); coding-DNA position 2705, A replaced by G.
Protein change: p.Asn902Ser; replaces asparagine 902 with serine.
Molecular consequence: missense variant.
Genome position (GRCh38, 1-based): chr10:49,473,481, T>C on the plus strand (A>G on the coding strand, the complement: ERCC6 is on the minus strand). VCF-style: chr10-49473481-T-C. GRCh37 (hg19) VCF-style: chr10-50681527-T-C.
Other names: c.2705A>G, p.Asn902Ser (NM_001346440.2); short protein forms N902S.
Identifiers: ClinVar variation 1431181 (VCV001431181.4), dbSNP rs763811839, ClinGen allele CA5495578.

ClinVar aggregate classification (germline): Uncertain significance. Review status: criteria provided, multiple submitters, no conflicts (2 of 4 stars). 2 submissions from 2 submitters: Uncertain significance (2). Last evaluated 2021-11-23.

Conditions:
DE SANCTIS-CACCHIONE SYNDROME. Identifiers: MedGen C0265201, MONDO:0010217, OMIM 278800.
Premature ovarian failure 11 (POF11). Identifiers: MedGen C4310783, MONDO:0014843, OMIM 616946.
Cerebrooculofacioskeletal syndrome 1 (COFS1). Also called: Cerebro-oculo-facio-skeletal syndrome 1. Identifiers: MedGen C0220722, MONDO:0008955, OMIM 214150.
Cockayne syndrome type 2 (CSB). Also called: Cockayne Syndrome, Type II; COCKAYNE SYNDROME B. Identifiers: Orphanet 191, Orphanet 90322, MedGen C0751038, MONDO:0019570, OMIM 133540.
UV-sensitive syndrome 1 (UVSS1). Identifiers: Orphanet 178338, MedGen C3551173, MONDO:0010909, OMIM 600630.
Age related macular degeneration 5. Identifiers: MedGen C3151063, MONDO:0013409, OMIM 613761.
Lung cancer. Also called: Lung cancer, somatic; Malignant tumor of lung. Identifiers: MedGen C0242379, MONDO:0008903, OMIM 211980.

Allele frequency attached by ClinVar (database versions not stated): TOPMed below 0.00001; ExAC 0.00001; gnomAD 0.00001; gnomAD exomes 0.00001.
gnomAD v4.1: 16 of 1,585,942 alleles (0.001%); highest among the groups gnomAD compares: East Asian, 0.0022%; no homozygotes.

Submissions (2):

Labcorp Genetics (formerly Invitae), Labcorp
Classification: Uncertain significance. Last evaluated: 2021-11-23. Review status: criteria provided, single submitter. Criteria: Invitae Variant Classification Sherloc (09022015). Collection method: clinical testing. Allele origin: germline.
Comment: This sequence change replaces asparagine, which is neutral and polar, with serine, which is neutral and polar, at codon 902 of the ERCC6 protein (p.Asn902Ser). This variant is present in population databases (rs763811839, gnomAD 0.0009%). This variant has not been reported in the literature in individuals affected with ERCC6-related conditions. Advanced modeling of protein sequence and biophysical properties (such as structural, functional, and spatial information, amino acid conservation, physicochemical variation, residue mobility, and thermodynamic stability) performed at Invitae indicates that this missense variant is expected to disrupt ERCC6 protein function. Algorithms developed to predict the effect of sequence changes on RNA splicing suggest that this variant may create or strengthen a splice site. In summary, the available evidence is currently insufficient to determine the role of this variant in disease. Therefore, it has been classified as a Variant of Uncertain Significance.

Fulgent Genetics
Classification: Uncertain significance for Cockayne syndrome type 2; Lung cancer; Cerebrooculofacioskeletal syndrome 1; DE SANCTIS-CACCHIONE SYNDROME; UV-sensitive syndrome 1; Age related macular degeneration 5; Premature ovarian failure 11. Last evaluated: 2021-07-26. Review status: criteria provided, single submitter. Criteria: ACMG Guidelines, 2015. Collection method: clinical testing. Allele origin: unknown.